The following is an entry in ClinVar:

ClinVar aggregate classification (germline): Uncertain significance (1 of 4 stars; one submission).

Submission:

GeneDx
Classification: Uncertain significance. Last evaluated: 2026-02-22. Review status: criteria provided, single submitter. Criteria: GeneDx Variant Classification Process June 2021. Collection method: clinical testing. Allele origin: germline.
Comment: Not observed at significant frequency in large population cohorts (gnomAD); In silico analysis supports a deleterious effect on splicing; Has not been previously published as pathogenic or benign to our knowledge

NM_007118.4(TRIO):c.3066+4del

Gene: TRIO (trio Rho guanine nucleotide exchange factor; plus strand). Cytogenetic location: 5p15.2.
Variant type: Deletion.
Coding change: c.3066+4del on transcript NM_007118.4 (MANE Select); 4 bases into the intron after coding-DNA position 3066, one base deleted (A; older notation c.3066+4delA).
Molecular consequence: intron variant.
Genome position (GRCh38, 1-based): chr5:14,368,903, A deleted. VCF-style (leftmost placement, unchanged base first): chr5-14368902-CA-C. GRCh37 (hg19) VCF-style: chr5-14369011-CA-C.
Identifiers: ClinVar variation 4891309 (VCV004891309.1).